The following is an entry in ClinVar:

NM_022552.5(DNMT3A):c.840C>A (p.Asp280Glu)

Gene: DNMT3A (DNA methyltransferase 3 alpha; minus strand). Cytogenetic location: 2p23.3.
Variant type: single nucleotide variant.
Coding change: c.840C>A on transcript NM_022552.5 (MANE Select); coding-DNA position 840, C replaced by A.
Protein change: p.Asp280Glu; replaces aspartic acid 280 with glutamic acid.
Molecular consequence: missense variant. On other transcripts: non-coding transcript variant (1).
Genome position (GRCh38, 1-based): chr2:25,248,052, G>T on the plus strand (C>A on the coding strand, the complement: DNMT3A is on the minus strand). VCF-style: chr2-25248052-G-T. GRCh37 (hg19) VCF-style: chr2-25470921-G-T.
Other names: c.384C>A, p.Asp128Glu (NM_001320893.1); c.171C>A, p.Asp57Glu (NM_001375819.1); c.273C>A, p.Asp91Glu (NM_153759.3); c.840C>A, p.Asp280Glu (NM_175629.2); short protein forms D280E, D57E, D91E, D128E.
Identifiers: ClinVar variation 5035529 (VCV005035529.1).
Genomic context (GRCh38, chr2:25,248,052, plus strand): 5'-GGCCCCCGGAAAGAGCTGGCCACGGCTGGTGAAGAAGCCGCTCACCTCGTACTCTGGCTC[G>T]TCATCGCCTGCTTTGGTGGCATTCTTGTCCCCAGCATCGGACCCCACGGGCTCAGGCGTG-3'
Protein context (NP_072046.2, residues 270-290): GDKNATKAGD[Asp280Glu]EPEYEDGRGF

ClinVar aggregate classification (germline): Uncertain significance (1 of 4 stars; one submission).

Conditions:
Inborn genetic diseases. Identifiers: MedGen C0950123, MeSH D030342.

Submission:

Ambry Genetics
Classification: Uncertain significance for Inborn genetic diseases. Last evaluated: 2026-08-31. Review status: criteria provided, single submitter. Criteria: Ambry Variant Classification Scheme 2023. Collection method: clinical testing. Allele origin: germline.
Comment: The p.D280E variant (also known as c.840C>A), located in coding exon 6 of the DNMT3A gene, results from a C to A substitution at nucleotide position 840. The aspartic acid at codon 280 is replaced by glutamic acid, an amino acid with highly similar properties. This amino acid position is conserved. In addition, this alteration is predicted to be tolerated by in silico analysis. Based on the available evidence, the clinical significance of this variant remains unclear.